The following is an entry in ClinVar:

NM_006662.3(SRCAP):c.2648C>G (p.Ala883Gly)

Gene: SRCAP (Snf2 related CREBBP activator protein; plus strand). Cytogenetic location: 16p11.2.
Variant type: single nucleotide variant.
Coding change: c.2648C>G on transcript NM_006662.3 (MANE Select); coding-DNA position 2648, C replaced by G.
Protein change: p.Ala883Gly; replaces alanine 883 with glycine.
Molecular consequence: missense variant.
Genome position (GRCh38, 1-based): chr16:30,716,310, C>G. VCF-style: chr16-30716310-C-G. GRCh37 (hg19) VCF-style: chr16-30727631-C-G.
Other names: c.2648C>G (NM_006662.2); short protein forms A883G.
Identifiers: ClinVar variation 1441746 (VCV001441746.10), dbSNP rs139524110, ClinGen allele CA8011276.

ClinVar aggregate classification (germline): Conflicting classifications of pathogenicity. Review status: criteria provided, conflicting classifications (1 of 4 stars). 4 submissions from 4 submitters: Uncertain significance (2); Likely benign (1). 1 of the submissions does not count toward it. Last evaluated 2025-10-20.

Conditions:
Developmental delay, hypotonia, musculoskeletal defects, and behavioral abnormalities. Identifiers: MedGen C5562012, MONDO:0859202, OMIM 619595.
Floating-Harbor syndrome (FLHS). Also called: SRCAP-Related Floating-Harbor Syndrome; Short stature with delayed bone age, expressive language delay, a triangular face with a prominent nose and deep-set eyes; Pelletier-Leisti syndrome. Identifiers: Orphanet 2044, MedGen C0729582, MONDO:0007621, OMIM 136140.
SRCAP-related disorder. Also called: SRCAP-related condition.
Inborn genetic diseases. Identifiers: MedGen C0950123, MeSH D030342.

Allele frequency attached by ClinVar (database versions not stated): ExAC 0.00007; ESP Exome Variant Server 0.00015; gnomAD 0.00017 and 0.00019; TOPMed 0.00017.
gnomAD v4.1: 49 of 1,614,028 alleles (0.003%); highest among the groups gnomAD compares: African/African-American, 0.063%; no homozygotes.

Submissions (4):

Labcorp Genetics (formerly Invitae), Labcorp
Classification: Uncertain significance. Last evaluated: 2025-10-20. Review status: criteria provided, single submitter. Criteria: Invitae Variant Classification Sherloc (09022015). Collection method: clinical testing. Allele origin: germline.
Comment: This sequence change replaces alanine, which is neutral and non-polar, with glycine, which is neutral and non-polar, at codon 883 of the SRCAP protein (p.Ala883Gly). This variant is present in population databases (rs139524110, gnomAD 0.07%), and has an allele count higher than expected for a pathogenic variant. This variant has not been reported in the literature in individuals affected with SRCAP-related conditions. ClinVar contains an entry for this variant (Variation ID: 1441746). Invitae Evidence Modeling of protein sequence and biophysical properties (such as structural, functional, and spatial information, amino acid conservation, physicochemical variation, residue mobility, and thermodynamic stability) indicates that this missense variant is not expected to disrupt SRCAP protein function with a negative predictive value of 80%. In summary, the available evidence is currently insufficient to determine the role of this variant in disease. Therefore, it has been classified as a Variant of Uncertain Significance.

Fulgent Genetics
Classification: Uncertain significance for Floating-Harbor syndrome; Developmental delay, hypotonia, musculoskeletal defects, and behavioral abnormalities. Last evaluated: 2021-08-10. Review status: criteria provided, single submitter. Criteria: ACMG Guidelines, 2015. Collection method: clinical testing. Allele origin: unknown.

Ambry Genetics
Classification: Likely benign for Inborn genetic diseases. Last evaluated: 2021-08-04. Review status: criteria provided, single submitter. Criteria: Ambry Variant Classification Scheme 2023. Collection method: clinical testing. Allele origin: germline.

PreventionGenetics, part of Exact Sciences
Classification: Likely benign for SRCAP-related condition. Last evaluated: 2023-03-16. Review status: no assertion criteria provided. Collection method: clinical testing. Allele origin: germline. Not counted in ClinVar's aggregate classification.
Comment: This variant is classified as likely benign based on ACMG/AMP sequence variant interpretation guidelines (Richards et al. 2015 PMID: 25741868, with internal and published modifications).